The following is an entry in ClinVar:

GRCh38/hg38 16p13.11-12.3(chr16:15310595-18620659)x3

Genes: ABCC1 (ATP binding cassette subfamily C member 1 (ABCC1 blood group); plus strand), ABCC6 (ATP binding cassette subfamily C member 6; minus strand), BMERB1 (bMERB domain containing 1; plus strand), CEP20 (centrosomal protein 20; minus strand), MARF1 (meiosis regulator and mRNA stability factor 1; minus strand) and 74 more. Cytogenetic location: 16p13.11-12.3.
Variant type: copy number gain.
Change: copy number 3 (three copies instead of two) of chr16:15,310,595-18,620,659 (3.31 Mb, GRCh38 coordinates, 1-based), cytogenetic band 16p13.11-12.3.
Identifiers: ClinVar variation 59274 (VCV000059274.1).

ClinVar aggregate classification (germline): Uncertain significance (1 of 4 stars; one submission).

Submission:

ISCA site 17
Classification: Uncertain significance. Last evaluated: 2011-08-12. Review status: criteria provided, single submitter. Criteria: Kaminsky et al. (Genet Med. 2011). Collection method: clinical testing. Allele origin: unknown. Affected: yes. Observed: 1 variant allele.
Comment: Copy number variation identified through the course of routine clinical cytogenomic testing in postnatal populations. Clinical assertions have been curated as described in Kaminsky et al. 2011.